The following is an entry in ClinVar:

NM_000522.5(HOXA13):c.126_152dup (p.Ala51_Gly52insAlaAlaAlaAlaAlaAlaAlaAlaAla)

Genes: HOXA13 (homeobox A13; minus strand), LOC107126288 (NUP98-HOXA13 recombination region; plus strand). Cytogenetic location: 7p15.2.
Variant type: Duplication.
Coding change: c.126_152dup on transcript NM_000522.5 (MANE Select); coding-DNA positions 126 to 152, 27 bases duplicated (AGCAGCGGCTGCAGCGGCGGCGGCTGC).
Protein change: p.Ala51_Gly52insAlaAlaAlaAlaAlaAlaAlaAlaAla.
Molecular consequence: inframe insertion.
Genome position (GRCh38, 1-based): chr7:27,199,926-27,199,952, GCAGCCGCCGCCGCTGCAGCCGCTGCT duplicated on the plus strand (AGCAGCGGCTGCAGCGGCGGCGGCTGC on the coding strand, the reverse complement: HOXA13 is on the minus strand); duplicating any 27 consecutive bases within chr7:27,199,926-27,199,966 gives the same sequence; the c. name uses the placement nearest the transcript's 3' end. VCF-style (leftmost placement, unchanged base first): chr7-27199925-G-GGCAGCCGCCGCCGCTGCAGCCGCTGCT. GRCh37 (hg19) VCF-style: chr7-27239544-G-GGCAGCCGCCGCCGCTGCAGCCGCTGCT.
Identifiers: ClinVar variation 2034490 (VCV002034490.4), dbSNP rs777882526, ClinGen allele CA2580076996.
Genomic context (GRCh38, chr7:27,199,925, plus strand): 5'-CGAGAAGTTGCCCCCTGCCGCCGCAGCCGCCGGGTGGGGGAAGCCCCCGCCCCCGGCCCC[G>GGCAGCCGCCGCCGCTGCAGCCGCTGCT]GCAGCCGCCGCCGCTGCAGCCGCTGCTGCAGCCGCCGCCGCCCCTTCCATGTTCTTGTTG-3'

ClinVar aggregate classification (germline): Uncertain significance (1 of 4 stars; one submission).

Submission:

Labcorp Genetics (formerly Invitae), Labcorp
Classification: Uncertain significance. Last evaluated: 2022-10-11. Review status: criteria provided, single submitter. Criteria: Invitae Variant Classification Sherloc (09022015). Collection method: clinical testing. Allele origin: germline.
Comment: This variant, c.126_152dup, results in the insertion of 9 amino acid(s) of the HOXA13 protein (p.Ala43_Ala51dup), but otherwise preserves the integrity of the reading frame. In summary, the available evidence is currently insufficient to determine the role of this variant in disease. Therefore, it has been classified as a Variant of Uncertain Significance. This variant has not been reported in the literature in individuals affected with HOXA13-related conditions. This variant is not present in population databases (gnomAD no frequency).